The following is an entry in ClinVar:

ClinVar aggregate classification (germline): Uncertain significance (1 of 4 stars; one submission).

Conditions:
Congenital myasthenic syndrome 8. Also called: MYASTHENIC SYNDROME, CONGENITAL, DUE TO AGRIN DEFICIENCY; Myasthenic syndrome, congenital, 8, with pre- and postsynaptic defects. Identifiers: Orphanet 590, MedGen C3808739, MONDO:0014052, OMIM 615120.

Allele frequency attached by ClinVar (database versions not stated): gnomAD 0.00001; gnomAD exomes 0.00001; TOPMed 0.00001.
gnomAD v4.1: 16 of 1,537,600 alleles (0.001%); highest among the groups gnomAD compares: Non-Finnish European, 0.0014%; no homozygotes.

Submission:

Labcorp Genetics (formerly Invitae), Labcorp
Classification: Uncertain significance for Congenital myasthenic syndrome 8. Last evaluated: 2019-08-25. Review status: criteria provided, single submitter. Criteria: Invitae Variant Classification Sherloc (09022015). Collection method: clinical testing. Allele origin: germline.
Comment: Algorithms developed to predict the effect of missense changes on protein structure and function do not agree on the potential impact of this missense change (SIFT: "Deleterious"; PolyPhen-2: "Possibly Damaging"; Align-GVGD: "Class C0"). In summary, the available evidence is currently insufficient to determine the role of this variant in disease. Therefore, it has been classified as a Variant of Uncertain Significance. This sequence change replaces glutamic acid with lysine at codon 222 of the AGRN protein (p.Glu222Lys). The glutamic acid residue is highly conserved and there is a small physicochemical difference between glutamic acid and lysine. While this variant is not present in population databases, the frequency information is unreliable, as metrics indicate poor data quality at this position in the ExAC database. This variant has not been reported in the literature in individuals with AGRN-related disease.

NM_198576.4(AGRN):c.664G>A (p.Glu222Lys)

Genes: AGRN (agrin; plus strand), LOC129929077 (ATAC-STARR-seq lymphoblastoid silent region 23; plus strand). Cytogenetic location: 1p36.33.
Variant type: single nucleotide variant.
Coding change: c.664G>A on transcript NM_198576.4 (MANE Select); coding-DNA position 664, G replaced by A.
Protein change: p.Glu222Lys; replaces glutamic acid 222 with lysine.
Molecular consequence: missense variant.
Genome position (GRCh38, 1-based): chr1:1,040,817, G>A. VCF-style: chr1-1040817-G-A. GRCh37 (hg19) VCF-style: chr1-976197-G-A.
Other names: c.664G>A, p.Glu222Lys (NM_001305275.2); c.349G>A, p.Glu117Lys (NM_001364727.2); short protein forms E117K, E222K.
Identifiers: ClinVar variation 963011 (VCV000963011.10), dbSNP rs1242198480, ClinGen allele CA337822581.
Genomic context (GRCh38, chr1:1,040,817, plus strand): 5'-TGCCCCAGCGTGGTGGCGCCTGTGTGTGGGTCGGACGCCTCCACCTACAGCAACGAATGC[G>A]AGCTGCAGCGGGCGCAGTGCAGCCAGCAGCGCCGCATCCGCCTGCTCAGCCGCGGGCCGT-3'
Protein context (NP_940978.2, residues 212-232): SDASTYSNEC[Glu222Lys]LQRAQCSQQR